The following is an entry in ClinVar:

ClinVar aggregate classification (germline): Uncertain significance. Review status: criteria provided, multiple submitters, no conflicts (2 of 4 stars). 2 submissions from 2 submitters: Uncertain significance (2). Last evaluated 2023-05-16.

Allele frequency attached by ClinVar (database versions not stated): gnomAD exomes below 0.00001; ExAC 0.00001; TOPMed 0.00001; gnomAD 0.00002.
gnomAD v4.1: 14 of 1,613,996 alleles (0.00087%); highest among the groups gnomAD compares: Middle Eastern, 0.016%; no homozygotes.

Submissions (2):

Labcorp Genetics (formerly Invitae), Labcorp
Classification: Uncertain significance. Last evaluated: 2023-05-16. Review status: criteria provided, single submitter. Criteria: Invitae Variant Classification Sherloc (09022015). Collection method: clinical testing. Allele origin: germline.
Comment: In summary, the available evidence is currently insufficient to determine the role of this variant in disease. Therefore, it has been classified as a Variant of Uncertain Significance. An algorithm developed to predict the effect of missense changes on protein structure and function (PolyPhen-2) suggests that this variant is likely to be tolerated. ClinVar contains an entry for this variant (Variation ID: 1303288). This variant has not been reported in the literature in individuals affected with SLC1A2-related conditions. The frequency data for this variant in the population databases is considered unreliable, as metrics indicate poor data quality at this position in the gnomAD database. This sequence change replaces aspartic acid, which is acidic and polar, with asparagine, which is neutral and polar, at codon 20 of the SLC1A2 protein (p.Asp20Asn).

GeneDx
Classification: Uncertain significance. Last evaluated: 2020-02-10. Review status: criteria provided, single submitter. Criteria: GeneDx Variant Classification Process June 2021. Collection method: clinical testing. Allele origin: germline. Affected: yes.
Comment: In silico analysis supports that this missense variant does not alter protein structure/function; Has not been previously published as pathogenic or benign to our knowledge

NM_004171.4(SLC1A2):c.58G>A (p.Asp20Asn)

Gene: SLC1A2 (solute carrier family 1 member 2; minus strand). Cytogenetic location: 11p13.
Variant type: single nucleotide variant.
Coding change: c.58G>A on transcript NM_004171.4 (MANE Select); coding-DNA position 58, G replaced by A.
Protein change: p.Asp20Asn; replaces aspartic acid 20 with asparagine.
Molecular consequence: missense variant.
Genome position (GRCh38, 1-based): chr11:35,317,476, C>T on the plus strand (G>A on the coding strand, the complement: SLC1A2 is on the minus strand). VCF-style: chr11-35317476-C-T. GRCh37 (hg19) VCF-style: chr11-35339023-C-T.
Other names: c.31G>A, p.Asp11Asn (NM_001195728.3, NM_001252652.2); short protein forms D11N, D20N.
Identifiers: ClinVar variation 1303288 (VCV001303288.5), dbSNP rs752965234, ClinGen allele CA5947416.